The following is an entry in ClinVar:

ClinVar aggregate classification (germline): Benign/Likely benign. Review status: criteria provided, multiple submitters, no conflicts (2 of 4 stars). 5 submissions from 5 submitters: Benign (2); Likely benign (2). 1 of the submissions does not count toward it. Last evaluated 2026-03-01.

Conditions:
Epileptic encephalopathy. Identifiers: MedGen C0543888, HP:0200134.
RYR3-related disorder. Also called: RYR3-related condition.

Allele frequency attached by ClinVar (database versions not stated): 1000 Genomes Project 30x 0.00062; 1000 Genomes Project 0.00080; gnomAD 0.00261 and 0.00288; TOPMed 0.00323; ESP Exome Variant Server 0.00325.
gnomAD v4.1: 1,103 of 1,609,062 alleles (0.069%); highest among the groups gnomAD compares: African/African-American, 0.9%; 4 homozygotes.

Submissions (5):

CeGaT Center for Human Genetics Tuebingen
Classification: Likely benign. Last evaluated: 2026-03-01. Review status: criteria provided, single submitter. Criteria: CeGaT Center For Human Genetics Tuebingen Variant Classification Criteria Version 2. Collection method: clinical testing. Allele origin: germline. Affected: yes. Observed: 3 variant alleles.
Comment: RYR3: BP4, BP7

Labcorp Genetics (formerly Invitae), Labcorp
Classification: Benign for Epileptic encephalopathy. Last evaluated: 2026-01-15. Review status: criteria provided, single submitter. Criteria: Invitae Variant Classification Sherloc (09022015). Collection method: clinical testing. Allele origin: germline.

Blueprint Genetics
Classification: Likely benign. Last evaluated: 2024-11-20. Review status: criteria provided, single submitter. Criteria: ACMG Guidelines, 2015. Collection method: clinical testing. Allele origin: germline.

Breakthrough Genomics
Classification: Benign. Review status: criteria provided, single submitter. Criteria: ACMG Guidelines, 2015. Collection method: not provided. Allele origin: germline. Inheritance: Unknown mechanism. Affected: yes.

PreventionGenetics, part of Exact Sciences
Classification: Benign for RYR3-related condition. Last evaluated: 2019-06-26. Review status: no assertion criteria provided. Collection method: clinical testing. Allele origin: germline. Not counted in ClinVar's aggregate classification.
Comment: This variant is classified as benign based on ACMG/AMP sequence variant interpretation guidelines (Richards et al. 2015 PMID: 25741868, with internal and published modifications).

NM_001036.6(RYR3):c.4701G>A (p.Ala1567=)

Gene: RYR3 (ryanodine receptor 3; plus strand). Cytogenetic location: 15q14.
Variant type: single nucleotide variant.
Coding change: c.4701G>A on transcript NM_001036.6 (MANE Select); coding-DNA position 4701, G replaced by A.
Protein change: p.Ala1567=; no amino-acid change (alanine 1567 retained).
Molecular consequence: synonymous variant.
Genome position (GRCh38, 1-based): chr15:33,662,231, G>A. VCF-style: chr15-33662231-G-A. GRCh37 (hg19) VCF-style: chr15-33954432-G-A.
Other names: c.4701G>A, p.Ala1567= (NM_001243996.4).
Identifiers: ClinVar variation 461917 (VCV000461917.38), dbSNP rs115119086, ClinGen allele CA7459094.
Genomic context (GRCh38, chr15:33,662,231, plus strand): 5'-GCTCTGTGAGCAGGAGGACCTGATGCGGTTCCATTACCACACGCTGAGGCTCTACAGCGC[G>A]GTGTGCGCCCTGGGAAACAGCCGCGTGGCCTACGCCCTGTGCAGCCACGTGGACCTCTCC-3'
Protein context (NP_001027.3, residues 1557-1577): FHYHTLRLYS[Ala1567=]VCALGNSRVA